The following is an entry in ClinVar:

NM_001244008.2(KIF1A):c.4651_4665+7dup

Gene: KIF1A (kinesin family member 1A; minus strand). Cytogenetic location: 2q37.3.
Variant type: Duplication.
Coding change: c.4651_4665+7dup on transcript NM_001244008.2 (MANE Select); coding-DNA position 4651 through 7 bases into the intron after coding-DNA position 4665, 22 bases duplicated (GAGCTGGCCGTCAAGGTGGGTC).
Molecular consequence: splice donor variant.
Genome position (GRCh38, 1-based): chr2:240,722,449-240,722,470, GACCCACCTTGACGGCCAGCTC duplicated on the plus strand (GAGCTGGCCGTCAAGGTGGGTC on the coding strand, the reverse complement: KIF1A is on the minus strand). VCF-style (leftmost placement, unchanged base first): chr2-240722448-G-GGACCCACCTTGACGGCCAGCTC. GRCh37 (hg19) VCF-style: chr2-241661865-G-GGACCCACCTTGACGGCCAGCTC.
Other names: c.4348_4362+7dup (NM_001379651.1, NM_001379653.1, NM_001379650.1 and 2 more transcripts); c.4624_4638+7dup (NM_001379645.1, NM_001379633.1); c.4474_4488+7dup (NM_001379635.1, NM_001379646.1); c.4345_4359+7dup (NM_001379640.1); c.4372_4386+7dup (NM_001379639.1); c.4375_4389+7dup (NM_001379649.1, NM_001320705.2); c.4462_4476+7dup (NM_001379636.1); c.4627_4641+7dup (NM_001379632.1); and 8 more.
Identifiers: ClinVar variation 1441227 (VCV001441227.7), dbSNP rs2045520957, ClinGen allele CA1044060730.
Genomic context (GRCh38, chr2:240,722,448, plus strand): 5'-GCCCAGAAATGACTCAGGGCCCTTGAGGGCCTGGGGCTACGGCTGTACTGCCCACCAGCT[G>GGACCCACCTTGACGGCCAGCTC]GACCCACCTTGACGGCCAGCTCCCGCTGCCTCTCGTTGGGAGCCTCCAGGGGTGATGGGC-3'

ClinVar aggregate classification (germline): Uncertain significance. Review status: criteria provided, multiple submitters, no conflicts (2 of 4 stars). 2 submissions from 2 submitters: Uncertain significance (2). Last evaluated 2026-05-19.

Conditions:
KIF1A-related disorder. Also called: KIF1A-related disorders; KIF1A-related condition.
Hereditary spastic paraplegia 30. Identifiers: Orphanet 101010, MedGen C5235139, MONDO:0012476.
Intellectual disability, autosomal dominant 9 (NESCAVS). Also called: NESCAV SYNDROME; KIF1A-Related Neurodevelopmental Disorder. Identifiers: Orphanet 662367, MedGen C5393830, MONDO:0013656, OMIM 614255.
Neuropathy, hereditary sensory, type 2C. Also called: KIF1A-Related HSAN2 (HSAN2C); Hereditary sensory and autonomic neuropathy type IIC. Identifiers: Orphanet 970, MedGen C3280168, MONDO:0013634, OMIM 614213.

Allele frequency attached by ClinVar (database versions not stated): gnomAD exomes below 0.00001; gnomAD 0.00001.

Submissions (2):

PreventionGenetics, part of Exact Sciences
Classification: Uncertain significance for KIF1A-related condition. Last evaluated: 2026-05-19. Review status: criteria provided, single submitter. Criteria: ACMG Guidelines, 2015. Collection method: clinical testing. Allele origin: germline.
Comment: The KIF1A c.4651_4665+7dup22 variant is predicted to result in an intronic duplication. This variant spans the exon/intron boundary, but is not predicted to impact the canonical splice donor site (SpliceAI, Jaganathan et al. 2019. PubMed ID: 30661751). To our knowledge, this variant has not been reported in the literature or in a large population database (gnomAD), indicating this variant is rare. At this time, the clinical significance of this variant is uncertain due to the absence of conclusive functional and genetic evidence.

Labcorp Genetics (formerly Invitae), Labcorp
Classification: Uncertain significance for Hereditary spastic paraplegia 30; Neuropathy, hereditary sensory, type 2C; Intellectual disability, autosomal dominant 9. Last evaluated: 2023-07-14. Review status: criteria provided, single submitter. Criteria: Invitae Variant Classification Sherloc (09022015). Collection method: clinical testing. Allele origin: germline.
Comment: In summary, the available evidence is currently insufficient to determine the role of this variant in disease. Therefore, it has been classified as a Variant of Uncertain Significance. Algorithms developed to predict the effect of sequence changes on RNA splicing suggest that this variant may create or strengthen a splice site. ClinVar contains an entry for this variant (Variation ID: 1441227). This variant has not been reported in the literature in individuals affected with KIF1A-related conditions. This variant is not present in population databases (gnomAD no frequency). This sequence change falls in intron 40 of the KIF1A gene. It does not directly change the encoded amino acid sequence of the KIF1A protein.